The following is an entry in ClinVar:

ClinVar aggregate classification (germline): Uncertain significance (1 of 4 stars; one submission).

Submission:

Ambry Genetics
Classification: Uncertain significance. Last evaluated: 2023-05-21. Review status: criteria provided, single submitter. Criteria: Ambry Variant Classification Scheme 2023. Collection method: clinical testing. Allele origin: germline.
Comment: The p.H655Y variant (also known as c.1963C>T), located in coding exon 17 of the RAD54L gene, results from a C to T substitution at nucleotide position 1963. The histidine at codon 655 is replaced by tyrosine, an amino acid with similar properties. This amino acid position is conserved. In addition, the in silico prediction for this alteration is inconclusive. Since supporting evidence is limited at this time, the clinical significance of this alteration remains unclear.

NM_003579.4(RAD54L):c.1963C>T (p.His655Tyr)

Genes: LRRC41 (leucine rich repeat containing 41; minus strand), RAD54L (RAD54 like; plus strand). Cytogenetic location: 1p34.1.
Variant type: single nucleotide variant.
Coding change: c.1963C>T on transcript NM_003579.4 (MANE Select); coding-DNA position 1963, C replaced by T.
Protein change: p.His655Tyr; replaces histidine 655 with tyrosine.
Molecular consequence: missense variant. On other transcripts: 3 prime UTR variant (1).
Genome position (GRCh38, 1-based): chr1:46,277,910, C>T. VCF-style: chr1-46277910-C-T. GRCh37 (hg19) VCF-style: chr1-46743582-C-T.
Other names: c.*955G>A (NM_006369.5); c.1963C>T, p.His655Tyr (NM_001142548.2); c.1423C>T, p.His475Tyr (NM_001370766.1); short protein forms H655Y, H475Y.
Identifiers: ClinVar variation 2561510 (VCV002561510.2), dbSNP rs2525729827, ClinGen allele CA340189894.